The following is an entry in ClinVar:

ClinVar aggregate classification (germline): Uncertain significance (1 of 4 stars; one submission).

Conditions:
Hereditary cancer-predisposing syndrome. Also called: Tumor predisposition; Hereditary Cancer Syndrome; Hereditary neoplastic syndrome; Neoplastic Syndromes, Hereditary. Identifiers: Orphanet 140162, MedGen C0027672, MeSH D009386, MONDO:0015356.

Submission:

Ambry Genetics
Classification: Uncertain significance for Hereditary cancer-predisposing syndrome. Last evaluated: 2024-05-21. Review status: criteria provided, single submitter. Criteria: Ambry Variant Classification Scheme 2023. Collection method: clinical testing. Allele origin: germline.
Comment: The p.S1389T variant (also known as c.4165T>A), located in coding exon 20 of the MET gene, results from a T to A substitution at nucleotide position 4165. The serine at codon 1389 is replaced by threonine, an amino acid with similar properties. This amino acid position is conserved. In addition, this alteration is predicted to be tolerated by in silico analysis. Based on the available evidence, the clinical significance of this variant remains unclear.

NM_000245.4(MET):c.4111T>A (p.Ser1371Thr)

Gene: MET (MET proto-oncogene, receptor tyrosine kinase; plus strand). Cytogenetic location: 7q31.2.
Variant type: single nucleotide variant.
Coding change: c.4111T>A on transcript NM_000245.4 (MANE Select); coding-DNA position 4111, T replaced by A.
Protein change: p.Ser1371Thr; replaces serine 1371 with threonine.
Molecular consequence: missense variant.
Genome position (GRCh38, 1-based): chr7:116,796,062, T>A. VCF-style: chr7-116796062-T-A. GRCh37 (hg19) VCF-style: chr7-116436116-T-A.
Other names: c.4165T>A, p.Ser1389Thr (NM_001127500.3); c.2821T>A, p.Ser941Thr (NM_001324402.2); short protein forms S1371T, S941T, S1389T.
Identifiers: ClinVar variation 3294366 (VCV003294366.1).